The following is an entry in ClinVar:

ClinVar aggregate classification (germline): Likely benign. Review status: criteria provided, multiple submitters, no conflicts (2 of 4 stars). 2 submissions from 2 submitters: Likely benign (2). Last evaluated 2025-09-23.

Conditions:
ADCY1-related disorder. Also called: ADCY1-related condition.

Submissions (2):

Labcorp Genetics (formerly Invitae), Labcorp
Classification: Likely benign. Last evaluated: 2025-09-23. Review status: criteria provided, single submitter. Criteria: Invitae Variant Classification Sherloc (09022015). Collection method: clinical testing. Allele origin: germline.

PreventionGenetics, part of Exact Sciences
Classification: Likely benign for ADCY1-related condition. Last evaluated: 2024-12-09. Review status: criteria provided, single submitter. Criteria: ACMG Guidelines, 2015. Collection method: clinical testing. Allele origin: germline.
Comment: This variant is classified as likely benign based on ACMG/AMP sequence variant interpretation guidelines (Richards et al. 2015 PMID: 25741868, with internal and published modifications).

NM_021116.4(ADCY1):c.790-6G>T

Gene: ADCY1 (adenylate cyclase 1; plus strand). Cytogenetic location: 7p12.3.
Variant type: single nucleotide variant.
Coding change: c.790-6G>T on transcript NM_021116.4 (MANE Select); 6 bases into the intron before coding-DNA position 790, G replaced by T.
Molecular consequence: intron variant.
Genome position (GRCh38, 1-based): chr7:45,610,373, G>T. VCF-style: chr7-45610373-G-T. GRCh37 (hg19) VCF-style: chr7-45649972-G-T.
Other names: c.115-6G>T (NM_001281768.2); c.790-6G>T (NM_021116.2).
Identifiers: ClinVar variation 4771819 (VCV004771819.2).
Genomic context (GRCh38, chr7:45,610,373, plus strand): 5'-GTGAGGTGAGGAGGAGTGGAGGGAGGGGGCCCTGCTGTCTAACCCGGGCCCTTCTCTTCT[G>T]TCCAGGAGCGGCTCCTCATGAGCCTCCTGCCCCGGAACGTTGCCATGGAGATGAAGGAGG-3'